The following is an entry in ClinVar:

ClinVar aggregate classification (germline): Uncertain significance. Review status: criteria provided, multiple submitters, no conflicts (2 of 4 stars). 2 submissions from 2 submitters: Uncertain significance (2). Last evaluated 2025-09-26.

Conditions:
Familial adenomatous polyposis 1 (FAP1). Also called: FAMILIAL ADENOMATOUS POLYPOSIS 1, ATTENUATED; POLYPOSIS, ADENOMATOUS INTESTINAL. Identifiers: MedGen C2713442, MONDO:0021056, OMIM 175100. Disease mechanism: loss of function.
Hereditary cancer-predisposing syndrome. Also called: Tumor predisposition; Hereditary neoplastic syndrome; Neoplastic Syndromes, Hereditary; Hereditary Cancer Syndrome. Identifiers: Orphanet 140162, MedGen C0027672, MeSH D009386, MONDO:0015356.

Submissions (2):

Ambry Genetics
Classification: Uncertain significance for Hereditary cancer-predisposing syndrome. Last evaluated: 2025-09-26. Review status: criteria provided, single submitter. Criteria: Ambry Variant Classification Scheme 2023. Collection method: clinical testing. Allele origin: germline.
Comment: The p.S996T variant (also known as c.2987G>C), located in coding exon 15 of the APC gene, results from a G to C substitution at nucleotide position 2987. The serine at codon 996 is replaced by threonine, an amino acid with similar properties. This amino acid position is well conserved in available vertebrate species. In addition, in silico predictors for this gene do not accurately predict pathogenicity. Missense variants in APC are not a common cause of disease (Spier I et al. Genet Med. 2024 Feb;26(2):100992). Based on the available evidence, the clinical significance of this variant remains unclear.

Labcorp Genetics (formerly Invitae), Labcorp
Classification: Uncertain significance for Familial adenomatous polyposis 1. Last evaluated: 2022-07-02. Review status: criteria provided, single submitter. Criteria: Invitae Variant Classification Sherloc (09022015). Collection method: clinical testing. Allele origin: germline.
Comment: ClinVar contains an entry for this variant (Variation ID: 846956). In summary, the available evidence is currently insufficient to determine the role of this variant in disease. Therefore, it has been classified as a Variant of Uncertain Significance. Algorithms developed to predict the effect of missense changes on protein structure and function (SIFT, PolyPhen-2, Align-GVGD) all suggest that this variant is likely to be tolerated. This variant has not been reported in the literature in individuals affected with APC-related conditions. This variant is not present in population databases (gnomAD no frequency). This sequence change replaces serine, which is neutral and polar, with threonine, which is neutral and polar, at codon 996 of the APC protein (p.Ser996Thr).

NM_000038.6(APC):c.2987G>C (p.Ser996Thr)

Gene: APC (APC regulator of Wnt signaling pathway; plus strand). Cytogenetic location: 5q22.2.
Variant type: single nucleotide variant.
Coding change: c.2987G>C on transcript NM_000038.6 (MANE Select); coding-DNA position 2987, G replaced by C.
Protein change: p.Ser996Thr; replaces serine 996 with threonine.
Molecular consequence: missense variant.
Genome position (GRCh38, 1-based): chr5:112,838,581, G>C. VCF-style: chr5-112838581-G-C. GRCh37 (hg19) VCF-style: chr5-112174278-G-C.
Other names: c.2987G>C, p.Ser996Thr (NM_001127510.3, NM_001354895.2); c.2933G>C, p.Ser978Thr (NM_001127511.3); c.3041G>C, p.Ser1014Thr (NM_001354896.2); c.3017G>C, p.Ser1006Thr (NM_001354897.2); c.2912G>C, p.Ser971Thr (NM_001354898.2); c.2903G>C, p.Ser968Thr (NM_001354899.2); c.2864G>C, p.Ser955Thr (NM_001354900.2); c.2810G>C, p.Ser937Thr (NM_001354901.2); and 5 more; short protein forms S1006T, S836T, S870T, S968T, S905T, S971T, S895T, S978T.
Identifiers: ClinVar variation 846956 (VCV000846956.52), dbSNP rs1561581181, ClinGen allele CA16027866.